The following continues an entry in ClinVar:

NM_002693.3(POLG):c.1399G>A (p.Ala467Thr)

Gene: POLG. ClinVar aggregate classification (germline): Pathogenic/Likely pathogenic. Pathogenic (47); Likely pathogenic (1).

Submissions 7 to 20 of 62:

Ambry Genetics
Classification: Pathogenic for Inborn genetic diseases. Last evaluated: 2025-07-30. Review status: criteria provided, single submitter. Criteria: Ambry Variant Classification Scheme 2023. Collection method: clinical testing. Allele origin: germline.
Comment: The c.1399G>A (p.A467T) alteration is located in exon 7 (coding exon 6) of the POLG gene. This alteration results from a G to A substitution at nucleotide position 1399, causing the alanine (A) at amino acid position 467 to be replaced by a threonine (T). Based on the available evidence, this alteration is classified as pathogenic for autosomal recessive POLG-related mitochondrial disorders; however, it is unlikely to be causative of autosomal dominant progressive external ophthalmoplegia. Based on data from gnomAD, this allele has an overall frequency of 0.051% (143/282888) total alleles studied. The highest observed frequency was 0.098% (127/129190) of European (non-Finnish) alleles. This variant is the most common recessive pathogenic variant found in POLG and accounts for 31% of all mutant alleles (Tang, 2011). This variant has been identified in the homozygous state and/or in conjunction with other POLG variant(s) in individual(s) with features consistent with POLG-related mitochondrial disorders (Van Goethem, 2001; Van Goethem, 2004; Chan, 2005; Luoma, 2005; Tang, 2011; Janssen, 2016; Rajakulendran, 2016). This amino acid position is highly conserved in available vertebrate species. In vitro functional studies demonstrate that the p.A467T mutation results in 4-20% of wild-type DNA polymerase activity and fails to interact with the catalytic accessory subunit resulting in compromised catalytic activity (Chan, 2005). This alteration is predicted to be deleterious by in silico analysis. Based on the available evidence, this alteration is classified as pathogenic.

Victorian Clinical Genetics Services, Murdoch Childrens Research Institute
Classification: Pathogenic for Progressive sclerosing poliodystrophy. Last evaluated: 2025-07-22. Review status: criteria provided, single submitter. Criteria: ACMG Guidelines, 2015. Collection method: clinical testing. Allele origin: germline. Affected: yes.
Comment: This variant is classified as Pathogenic. Evidence in support of pathogenic classification: Variant is present in gnomAD <0.01 for a recessive condition (v4: 1637 heterozygotes, 0 homozygotes); This variant has strong previous evidence of pathogenicity in unrelated individuals. This is one of the most reported variants predominantly in homozygous or compound heterozygous state, in individuals with mitochondrial DNA depletion syndrome 4A (Alpers type) (ClinVar, PMIDs: 20301791, 19578034); Missense variant predicted to be damaging by in silico tool(s) or highly conserved with a major amino acid change. Additional information: Variant is predicted to result in a missense amino acid change from alanine to threonine; This variant is heterozygous; This gene is associated with both recessive and dominant disease. Variants are usually inherited in a recessive manner, however progressive external ophthalmoplegia can also be dominant when heterozygous variants are located in the highly conserved active site of motif B of the polymerase domain (PMID: 30451971); Multiple alternative amino acid changes at the same position has been observed in gnomAD (v4) (highest allele frequency: 1 heterozygote, 0 homozygotes); Variant is located in the linker region (PMID: 16024923); Loss of function is a known mechanism of disease in this gene and is associated with mitochondrial disease (MONDO:0044970), POLG-related; Variants in this gene are known to have variable expressivity (PMID: 20301791).

Centre of Medical Genetics, University Hospital Muenster
Classification: Pathogenic. Last evaluated: 2025-07-14. Review status: criteria provided, single submitter. Criteria: ACMG Guidelines, 2015. Collection method: clinical testing. Allele origin: unknown. Affected: yes. Observed: 1 variant allele, 1 homozygote.
Comment: ACMG categories: PM3,PP1,PP3

Department of Human Genetics, Hannover Medical School
Classification: Pathogenic for Progressive sclerosing poliodystrophy. Last evaluated: 2025-05-06. Review status: criteria provided, single submitter. Criteria: ACMG Guidelines, 2015. Collection method: clinical testing. Allele origin: germline. Inheritance: Autosomal recessive inheritance. Affected: yes.
Comment: ClinGen POLG: PM3_VeryStrong, PP1, PP3

Institute of Human Genetics, University of Leipzig Medical Center
Classification: Pathogenic for Progressive sclerosing poliodystrophy. Last evaluated: 2025-03-25. Review status: criteria provided, single submitter. Criteria: ACMG Guidelines, 2015. Collection method: clinical testing. Allele origin: inherited. Inheritance: Autosomal recessive inheritance. Affected: yes.
Comment: Criteria applied: PP4_MOD,PM3_VTR,PP3

Variantyx, Inc.
Classification: Pathogenic for POLG-related disorders. Last evaluated: 2025-03-24. Review status: criteria provided, single submitter. Criteria: Variantyx Assertion Criteria 2022. Collection method: clinical testing. Allele origin: maternal. Inheritance: Semidominant inheritance.
Comment: This is a nonsynonymous variant in the POLG gene (OMIM: 174763). Pathogenic variants in this gene have been associated with autosomal dominant and autosomal recessive POLG-related disorders. This variant has been reported in the homozygous or compound heterozygous state in many unrelated affected individuals (PMID: 16368709, 25286830, 20691285, 26735972) (PM3). Functional studies have shown that this variant alters POLG protein function (PMID: 16024923) (PS3) and multiple computational algorithms predict a deleterious effect for this variant (REVEL score: 0.884) (PP3). This variant has a 0.1330% maximum allele frequency in non-founder control populations. Based on the current evidence, this variant is classified as pathogenic for autosomal dominant and autosomal recessive POLG-related disorders. No other variant of clinical significance was identified in the POLG gene. A single pathogenic variant in a gene associated with autosomal recessive disease is generally insufficient to cause disease. Therefore, this finding likely represents no.

Laboratory of Genetics, Children's Clinical University Hospital Latvia
Classification: Pathogenic. Last evaluated: 2025-02-16. Review status: criteria provided, single submitter. Criteria: ACMG Guidelines, 2015. Collection method: clinical testing. Allele origin: germline. Affected: yes.

First Genomix Gene Laboratory, Genetic Diagnostics Department
Classification: Likely pathogenic for Progressive sclerosing poliodystrophy; Mitochondrial DNA depletion syndrome 4b; Sensory ataxic neuropathy, dysarthria, and ophthalmoparesis; Progressive external ophthalmoplegia with mitochondrial DNA deletions, autosomal recessive 1. Last evaluated: 2025-01-06. Review status: criteria provided, single submitter. Criteria: ACMG Guidelines, 2015. Collection method: clinical testing. Allele origin: germline. Inheritance: Autosomal recessive inheritance. Affected: no. Observed: 1 variant allele.

Blueprint Genetics
Classification: Pathogenic for POLG-related disorders. Last evaluated: 2024-11-18. Review status: criteria provided, single submitter. Criteria: ACMG Guidelines, 2015. Collection method: clinical testing. Allele origin: germline. Affected: yes. Observed: 5 variant alleles.

Mayo Clinic Laboratories, Mayo Clinic
Classification: Pathogenic. Last evaluated: 2024-07-01. Review status: criteria provided, single submitter. Criteria: ACMG Guidelines, 2015. Collection method: clinical testing. Allele origin: germline. Observed: 11 variant alleles.

Fulgent Genetics
Classification: Pathogenic for Progressive external ophthalmoplegia with mitochondrial DNA deletions, autosomal dominant 1; Progressive sclerosing poliodystrophy; Progressive external ophthalmoplegia with mitochondrial DNA deletions, autosomal recessive 1; Sensory ataxic neuropathy, dysarthria, and ophthalmoparesis; Mitochondrial DNA depletion syndrome 4b. Last evaluated: 2024-06-24. Review status: criteria provided, single submitter. Criteria: ACMG Guidelines, 2015. Collection method: clinical testing. Allele origin: germline.

Baylor Genetics
Classification: Pathogenic for Progressive sclerosing poliodystrophy. Last evaluated: 2024-03-27. Review status: criteria provided, single submitter. Criteria: ACMG Guidelines, 2015. Collection method: clinical testing. Allele origin: unknown.

Athena Diagnostics
Classification: Pathogenic. Last evaluated: 2024-03-25. Review status: criteria provided, single submitter. Criteria: Athena Diagnostics Criteria. Collection method: clinical testing. Allele origin: unknown.
Comment: The frequency of this variant in the general population is consistent with pathogenicity ((Genome Aggregation Database (gnomAD), Cambridge, MA (URL)). This variant has been identified in multiple individuals with different autosomal recessive POLG-related disorders. Assessment of experimental evidence suggests this variant results in abnormal protein function. (PMID: 16024923, 27987238) In multiple individuals, this variant has been seen with a single recessive pathogenic variant in the same gene, suggesting this variant may also be pathogenic.

Clinical Genetics Laboratory, Skane University Hospital Lund
Classification: Pathogenic. Last evaluated: 2023-12-07. Review status: criteria provided, single submitter. Criteria: ACMG Guidelines, 2015. Collection method: clinical testing. Allele origin: germline. Affected: yes.